The following is an entry in ClinVar:

ClinVar aggregate classification (germline): Uncertain significance (1 of 4 stars; one submission).

Conditions:
Coffin-Siris syndrome 5 (CSS5). Identifiers: Orphanet 1465, MedGen C4310788, MONDO:0014838, OMIM 616938.

Submission:

University of Washington Department of Laboratory Medicine, University of Washington
Classification: Uncertain significance for Coffin-Siris syndrome 5. Last evaluated: 2022-03-18. Review status: criteria provided, single submitter. Criteria: ACMG Guidelines, 2015. Collection method: clinical testing. Allele origin: unknown. Affected: yes.
Comment: The p.Met71Ile variant in the SMARCE1 gene has not been previously reported in association with disease. This variant was absent from large population databases, including the Genome Aggregation Database. The p.Met71Ile variant is located in a DNA binding domain (HMG box) of the SMARCE1 protein. Other pathogenic and likely pathogenic variants have been described in this domain. This domain has fewer missense variants in the general population than expected, suggesting that this region is intolerant to missense variation and may be critical to protein function. In silico tools predict that p.Met71Ile variant is deleterious; however, these predictions have not been tested directly. Using ACMG guidelines, this variant was classified as a variant of uncertain significance (ACMG evidence codes used: PM1, PM2_supporting, PP3).

NM_003079.5(SMARCE1):c.213G>T (p.Met71Ile)

Gene: SMARCE1 (SWI/SNF related BAF chromatin remodeling complex subunit E1; minus strand). Cytogenetic location: 17q21.2.
Variant type: single nucleotide variant.
Coding change: c.213G>T on transcript NM_003079.5 (MANE Select); coding-DNA position 213, G replaced by T.
Protein change: p.Met71Ile; replaces methionine 71 with isoleucine.
Molecular consequence: missense variant.
Genome position (GRCh38, 1-based): chr17:40,637,516, C>A on the plus strand (G>T on the coding strand, the complement: SMARCE1 is on the minus strand). VCF-style: chr17-40637516-C-A. GRCh37 (hg19) VCF-style: chr17-38793768-C-A.
Other names: short protein forms M71I.
Identifiers: ClinVar variation 3777103 (VCV003777103.1).